The following is an entry in ClinVar:

ClinVar aggregate classification (germline): Benign (1 of 4 stars; one submission).

Conditions:
Autosomal dominant limb-girdle muscular dystrophy type 1D (DNAJB6) (LGMDD1). Also called: MUSCULAR DYSTROPHY, LIMB-GIRDLE, TYPE 1D; MUSCULAR DYSTROPHY, AUTOSOMAL DOMINANT, WITH RIMMED VACUOLES; Autosomal dominant limb-girdle muscular dystrophy type 1D; Muscular dystrophy, limb-girdle, autosomal dominant 1. Identifiers: Orphanet 34516, MedGen C4721885, MONDO:0021018, OMIM 603511.

Allele frequency attached by ClinVar (database versions not stated): TOPMed 0.00449; gnomAD 0.00471 and 0.00486; 1000 Genomes Project 30x 0.00172; gnomAD exomes 0.00437; 1000 Genomes Project 0.00160.
gnomAD v4.1: 716 of 152,820 alleles (0.47%); highest among the groups gnomAD compares: Non-Finnish European, 0.76%; 4 homozygotes.

Submission:

Illumina Laboratory Services, Illumina
Classification: Benign for Autosomal dominant limb-girdle muscular dystrophy type 1D (DNAJB6). Last evaluated: 2018-01-12. Review status: criteria provided, single submitter. Criteria: ICSL Variant Classification Criteria 13 December 2019. Collection method: clinical testing. Allele origin: germline.
Comment: This variant was observed in the ICSL laboratory as part of a predisposition screen in an ostensibly healthy population. It had not been previously curated by ICSL or reported in the Human Gene Mutation Database (HGMD: prior to June 1st, 2018), and was therefore a candidate for classification through an automated scoring system. Utilizing variant allele frequency, disease prevalence and penetrance estimates, and inheritance mode, an automated score was calculated to assess if this variant is too frequent to cause the disease. Based on the score and internal cut-off values, a variant classified as benign is not then subjected to further curation. The score for this variant resulted in a classification of benign for this disease.

NM_058246.4(DNAJB6):c.-85G>T

Gene: DNAJB6 (DnaJ heat shock protein family (Hsp40) member B6; plus strand). Cytogenetic location: 7q36.3.
Variant type: single nucleotide variant.
Coding change: c.-85G>T on transcript NM_058246.4 (MANE Select); 85 bases upstream of the start codon, G replaced by T.
Molecular consequence: 5 prime UTR variant.
Genome position (GRCh38, 1-based): chr7:157,337,086, G>T. VCF-style: chr7-157337086-G-T. GRCh37 (hg19) VCF-style: chr7-157129780-G-T.
Other names: c.-85G>T (NM_001363676.1, NM_005494.3).
Identifiers: ClinVar variation 359449 (VCV000359449.6), dbSNP rs533497802, ClinGen allele CA10628584.
Genomic context (GRCh38, chr7:157,337,086, plus strand): 5'-GAGAAAGGAAAGCGCGAGGAGCCGCCGCCACCACCAGCGCAGCAGTCCTGGAGCTGTGAG[G>T]AGATTCGGGCCGTCACCCTGCCTCCCCTGCGTCCCGCCACCGGCCGCTTCTGTCCTCGGT-3'